The following is an entry in ClinVar:

ClinVar aggregate classification (germline): Uncertain significance (1 of 4 stars; one submission).

Conditions:
Short-rib thoracic dysplasia 8 with or without polydactyly (SRTD8). Also called: SHORT-RIB THORACIC DYSPLASIA 8 WITH POLYDACTYLY. Identifiers: Orphanet 93271, MedGen C3809691, MONDO:0014214, OMIM 615503.

gnomAD v4.1: 24 of 1,549,578 alleles (0.0015%); highest among the groups gnomAD compares: South Asian, 0.0083%; no homozygotes.

Submission:

Labcorp Genetics (formerly Invitae), Labcorp
Classification: Uncertain significance for Short-rib thoracic dysplasia 8 with or without polydactyly. Last evaluated: 2023-06-19. Review status: criteria provided, single submitter. Criteria: Invitae Variant Classification Sherloc (09022015). Collection method: clinical testing. Allele origin: germline.
Comment: This variant is present in population databases (rs763613395, gnomAD 0.009%). In summary, the available evidence is currently insufficient to determine the role of this variant in disease. Therefore, it has been classified as a Variant of Uncertain Significance. Algorithms developed to predict the effect of missense changes on protein structure and function output the following: SIFT: "Not Available"; PolyPhen-2: "Probably Damaging"; Align-GVGD: "Not Available". The tryptophan amino acid residue is found in multiple mammalian species, which suggests that this missense change does not adversely affect protein function. ClinVar contains an entry for this variant (Variation ID: 2062886). This variant has not been reported in the literature in individuals affected with WDR60-related conditions. This sequence change replaces arginine, which is basic and polar, with tryptophan, which is neutral and slightly polar, at codon 99 of the WDR60 protein (p.Arg99Trp).

NM_018051.5(DYNC2I1):c.295C>T (p.Arg99Trp)

Gene: DYNC2I1 (dynein 2 intermediate chain 1; plus strand). Cytogenetic location: 7q36.3.
Variant type: single nucleotide variant.
Coding change: c.295C>T on transcript NM_018051.5 (MANE Select); coding-DNA position 295, C replaced by T.
Protein change: p.Arg99Trp; replaces arginine 99 with tryptophan.
Molecular consequence: missense variant. On other transcripts: 5 prime UTR variant (4).
Genome position (GRCh38, 1-based): chr7:158,871,367, C>T. VCF-style: chr7-158871367-C-T. GRCh37 (hg19) VCF-style: chr7-158664058-C-T.
Other names: c.157C>T, p.Arg53Trp (NM_001350914.2); c.-223C>T (NM_001350915.2); c.-1064C>T (NM_001350916.2); c.-1072C>T (NM_001350917.2); c.-1191C>T (NM_001350918.2); short protein forms R99W, R53W.
Identifiers: ClinVar variation 2062886 (VCV002062886.4), dbSNP rs763613395, ClinGen allele CA4594276.